The following is an entry in ClinVar:

NM_004320.6(ATP2A1):c.1913G>A (p.Arg638Gln)

Gene: ATP2A1 (ATPase sarcoplasmic/endoplasmic reticulum Ca2+ transporting 1; plus strand). Cytogenetic location: 16p11.2.
Variant type: single nucleotide variant.
Coding change: c.1913G>A on transcript NM_004320.6 (MANE Select); coding-DNA position 1913, G replaced by A.
Protein change: p.Arg638Gln; replaces arginine 638 with glutamine.
Molecular consequence: missense variant.
Genome position (GRCh38, 1-based): chr16:28,900,729, G>A. VCF-style: chr16-28900729-G-A. GRCh37 (hg19) VCF-style: chr16-28912050-G-A.
Other names: c.1538G>A, p.Arg513Gln (NM_001286075.2); c.1913G>A, p.Arg638Gln (NM_173201.5); c.1913G>A (NM_173201.4); short protein forms R513Q, R638Q.
Identifiers: ClinVar variation 1191997 (VCV001191997.10), dbSNP rs763141204, ClinGen allele CA7987115.

ClinVar aggregate classification (germline): Uncertain significance. Review status: criteria provided, multiple submitters, no conflicts (2 of 4 stars). 4 submissions from 4 submitters: Uncertain significance (4). Last evaluated 2025-09-11.

Conditions:
Brody myopathy. Also called: BRODY DISEASE. Identifiers: Orphanet 53347, MedGen C1832918, MONDO:0010977, OMIM 601003.
Inborn genetic diseases. Identifiers: MedGen C0950123, MeSH D030342.

Allele frequency attached by ClinVar (database versions not stated): gnomAD exomes 0.00002 and 0.00012; gnomAD 0.00004; TOPMed 0.00004; ExAC 0.00006.

Submissions (4):

Ambry Genetics
Classification: Uncertain significance for Inborn genetic diseases. Last evaluated: 2025-09-11. Review status: criteria provided, single submitter. Criteria: Ambry Variant Classification Scheme 2023. Collection method: clinical testing. Allele origin: germline.

Labcorp Genetics (formerly Invitae), Labcorp
Classification: Uncertain significance for Brody myopathy. Last evaluated: 2022-09-27. Review status: criteria provided, single submitter. Criteria: Invitae Variant Classification Sherloc (09022015). Collection method: clinical testing. Allele origin: germline.
Comment: This sequence change replaces arginine, which is basic and polar, with glutamine, which is neutral and polar, at codon 638 of the ATP2A1 protein (p.Arg638Gln). This variant is present in population databases (rs763141204, gnomAD 0.09%). This variant has not been reported in the literature in individuals affected with ATP2A1-related conditions. ClinVar contains an entry for this variant (Variation ID: 1191997). Algorithms developed to predict the effect of missense changes on protein structure and function are either unavailable or do not agree on the potential impact of this missense change (SIFT: "Deleterious"; PolyPhen-2: "Probably Damaging"; Align-GVGD: "Class C0"). In summary, the available evidence is currently insufficient to determine the role of this variant in disease. Therefore, it has been classified as a Variant of Uncertain Significance.

GeneDx
Classification: Uncertain significance. Last evaluated: 2019-09-25. Review status: criteria provided, single submitter. Criteria: GeneDx Variant Classification Process June 2021. Collection method: clinical testing. Allele origin: germline. Affected: yes.
Comment: In silico analysis, which includes protein predictors and evolutionary conservation, supports a deleterious effect; Has not been previously published as pathogenic or benign to our knowledge

Revvity Omics, Revvity
Classification: Uncertain significance for Brody myopathy. Last evaluated: 2019-01-18. Review status: criteria provided, single submitter. Criteria: ACMG Guidelines, 2015. Collection method: clinical testing. Allele origin: germline.